The following is an entry in ClinVar:

ClinVar aggregate classification (germline): Uncertain significance. Review status: criteria provided, multiple submitters, no conflicts (2 of 4 stars). 2 submissions from 2 submitters: Uncertain significance (2). Last evaluated 2024-07-02.

Conditions:
Pitt-Hopkins-like syndrome 2 (PTHSL2). Identifiers: Orphanet 221150, Orphanet 600663, MedGen C3280479, MONDO:0013690, OMIM 614325.
Inborn genetic diseases. Identifiers: MedGen C0950123, MeSH D030342.

Allele frequency attached by ClinVar (database versions not stated): gnomAD exomes below 0.00001.
gnomAD v4.1: 2 of 1,592,930 alleles (0.00013%); highest among the groups gnomAD compares: South Asian, 0.0011%; no homozygotes.

Submissions (2):

Ambry Genetics
Classification: Uncertain significance for Inborn genetic diseases. Last evaluated: 2024-07-02. Review status: criteria provided, single submitter. Criteria: Ambry Variant Classification Scheme 2023. Collection method: clinical testing. Allele origin: germline.

Labcorp Genetics (formerly Invitae), Labcorp
Classification: Uncertain significance for Pitt-Hopkins-like syndrome 2. Last evaluated: 2020-10-01. Review status: criteria provided, single submitter. Criteria: Invitae Variant Classification Sherloc (09022015). Collection method: clinical testing. Allele origin: germline.
Comment: In summary, the available evidence is currently insufficient to determine the role of this variant in disease. Therefore, it has been classified as a Variant of Uncertain Significance. Algorithms developed to predict the effect of missense changes on protein structure and function (SIFT, PolyPhen-2, Align-GVGD) all suggest that this variant is likely to be tolerated, but these predictions have not been confirmed by published functional studies and their clinical significance is uncertain. This variant has not been reported in the literature in individuals with NRXN1-related conditions. This variant is not present in population databases (ExAC no frequency). This sequence change replaces asparagine with aspartic acid at codon 661 of the NRXN1 protein (p.Asn661Asp). The asparagine residue is highly conserved and there is a small physicochemical difference between asparagine and aspartic acid.

NM_001330078.2(NRXN1):c.1861A>G (p.Asn621Asp)

Gene: NRXN1 (neurexin 1; minus strand). Cytogenetic location: 2p16.3.
Variant type: single nucleotide variant.
Coding change: c.1861A>G on transcript NM_001330078.2 (MANE Select); coding-DNA position 1861, A replaced by G.
Protein change: p.Asn621Asp; replaces asparagine 621 with aspartic acid.
Molecular consequence: missense variant.
Genome position (GRCh38, 1-based): chr2:50,538,535, T>C on the plus strand (A>G on the coding strand, the complement: NRXN1 is on the minus strand). VCF-style: chr2-50538535-T-C. GRCh37 (hg19) VCF-style: chr2-50765673-T-C.
Other names: c.1981A>G, p.Asn661Asp (NM_001135659.3); c.1837A>G, p.Asn613Asp (NM_001330077.2, NM_001330082.2, NM_001330095.2); c.1822A>G, p.Asn608Asp (NM_001330083.2, NM_001330084.2); c.1861A>G, p.Asn621Asp (NM_001330085.2, NM_001330086.2, NM_004801.6); c.1777A>G, p.Asn593Asp (NM_001330087.2, NM_001330096.2); c.1807A>G, p.Asn603Asp (NM_001330088.2); c.1858A>G, p.Asn620Asp (NM_001330093.2); c.1849A>G, p.Asn617Asp (NM_001330094.2); short protein forms N608D, N617D, N620D, N603D, N613D, N621D, N661D, N593D.
Identifiers: ClinVar variation 855577 (VCV000855577.10), dbSNP rs1386732823, ClinGen allele CA346771248.
Genomic context (GRCh38, chr2:50,538,535, plus strand): 5'-CGTAGCCATAGTTGAGCAGAGCAGTCCACACCTCGGTGGGGAAGACAAGGCCAGCTTTAT[T>C]TTCTGGCAGCCCCCCCAGGTACAACTCATCATCCAGGTCCAGAATCTCACTCTCACCAGG-3'
Protein context (NP_001317007.1, residues 611-631): DELYLGGLPE[Asn621Asp]KAGLVFPTEV